The following is an entry in ClinVar:

NM_001903.5(CTNNA1):c.730A>T (p.Ile244Leu)

Gene: CTNNA1 (catenin alpha 1; plus strand). Cytogenetic location: 5q31.2.
Variant type: single nucleotide variant.
Coding change: c.730A>T on transcript NM_001903.5 (MANE Select); coding-DNA position 730, A replaced by T.
Protein change: p.Ile244Leu; replaces isoleucine 244 with leucine.
Molecular consequence: missense variant.
Genome position (GRCh38, 1-based): chr5:138,824,671, A>T. VCF-style: chr5-138824671-A-T. GRCh37 (hg19) VCF-style: chr5-138160360-A-T.
Other names: c.730A>T (NM_001903.4); c.730A>T, p.Ile244Leu (NM_001290307.3, NM_001323982.2, NM_001323983.1 and 3 more transcripts); c.421A>T, p.Ile141Leu (NM_001290309.3); c.361A>T, p.Ile121Leu (NM_001290310.3); short protein forms I121L, I141L, I244L.
Identifiers: ClinVar variation 662371 (VCV000662371.19), dbSNP rs371337206, ClinGen allele CA3431545.

ClinVar aggregate classification (germline): Conflicting classifications of pathogenicity. Review status: criteria provided, conflicting classifications (1 of 4 stars). 6 submissions from 6 submitters: Uncertain significance (4); Likely benign (1). 1 of the submissions does not count toward it. Last evaluated 2026-08-26.

Conditions:
CTNNA1-related disorder. Also called: CTNNA1-related condition.
Patterned macular dystrophy 2. Identifiers: Orphanet 99001, MedGen C1837029, MONDO:0012162, OMIM 608970.
Hereditary cancer-predisposing syndrome. Also called: Tumor predisposition; Hereditary neoplastic syndrome; Hereditary Cancer Syndrome; Neoplastic Syndromes, Hereditary. Identifiers: Orphanet 140162, MedGen C0027672, MeSH D009386, MONDO:0015356.

Allele frequency attached by ClinVar (database versions not stated): gnomAD exomes 0.00001 and 0.00004; ExAC 0.00003; ESP Exome Variant Server 0.00008; TOPMed 0.00009; gnomAD 0.00011 and 0.00014.
gnomAD v4.1: 39 of 1,614,110 alleles (0.0024%); highest among the groups gnomAD compares: African/African-American, 0.032%; no homozygotes.

Submissions (6):

PreventionGenetics, part of Exact Sciences
Classification: Uncertain significance for CTNNA1-related condition. Last evaluated: 2026-08-26. Review status: criteria provided, single submitter. Criteria: ACMG Guidelines, 2015. Collection method: clinical testing. Allele origin: germline.
Comment: The CTNNA1 c.730A>T variant is predicted to result in the amino acid substitution p.Ile244Leu. This variant has been reported in individuals with gastric or breast cancer (Table S1, Clark et al. 2020. PubMed ID: 32051609). This variant is reported in 0.028% of alleles in individuals of African descent in gnomAD and has conflicting interpretations regarding its pathogenicity in ClinVar, ranging from likely benign to uncertain (Variation ID: 662371). At this time, the clinical significance of this variant is uncertain due to the absence of conclusive functional and genetic evidence.

Labcorp Genetics (formerly Invitae), Labcorp
Classification: Uncertain significance. Last evaluated: 2026-01-27. Review status: criteria provided, single submitter. Criteria: Invitae Variant Classification Sherloc (09022015). Collection method: clinical testing. Allele origin: germline.
Comment: This sequence change replaces isoleucine, which is neutral and non-polar, with leucine, which is neutral and non-polar, at codon 244 of the CTNNA1 protein (p.Ile244Leu). This variant is present in population databases (rs371337206, gnomAD 0.03%). This variant has not been reported in the literature in individuals affected with CTNNA1-related conditions. ClinVar contains an entry for this variant (Variation ID: 662371). Invitae Evidence Modeling of protein sequence and biophysical properties (such as structural, functional, and spatial information, amino acid conservation, physicochemical variation, residue mobility, and thermodynamic stability) indicates that this missense variant is not expected to disrupt CTNNA1 protein function with a negative predictive value of 80%. In summary, the available evidence is currently insufficient to determine the role of this variant in disease. Therefore, it has been classified as a Variant of Uncertain Significance.

Baylor Genetics
Classification: Uncertain significance for Patterned macular dystrophy 2. Last evaluated: 2023-08-15. Review status: criteria provided, single submitter. Criteria: ACMG Guidelines, 2015. Collection method: clinical testing. Allele origin: unknown.

GeneDx
Classification: Uncertain significance. Last evaluated: 2023-06-02. Review status: criteria provided, single submitter. Criteria: GeneDx Variant Classification Process June 2021. Collection method: clinical testing. Allele origin: germline. Affected: yes.
Comment: In silico analysis supports that this missense variant does not alter protein structure/function; Has not been previously published as pathogenic or benign to our knowledge; This variant is associated with the following publications: (PMID: 32051609)

Ambry Genetics
Classification: Likely benign for Hereditary cancer-predisposing syndrome. Last evaluated: 2023-05-01. Review status: criteria provided, single submitter. Criteria: Ambry Variant Classification Scheme 2023. Collection method: clinical testing. Allele origin: germline.

Department of Pathology and Laboratory Medicine, Sinai Health System
Classification: Uncertain significance. Review status: no assertion criteria provided. Collection method: clinical testing. Allele origin: unknown. Affected: yes. Study: The Canadian Open Genetics Repository (COGR). Not counted in ClinVar's aggregate classification.
Comment: The CTNNA1 p.Ile121Leu variant was not identified in the literature nor was it identified in Cosmic. The variant was identified in dbSNP (ID: rs371337206), ClinVar (classified as uncertain significance by Invitae), and LOVD 3.0 (variant effect not shared). The variant was identified in control databases in 11 of 268282 chromosomes at a frequency of 0.000041 (Genome Aggregation Database March 6, 2019, v2.1.1, non-cancer). The variant was observed in the following populations: African in 7 of 23612 chromosomes (freq: 0.000297), Other in 1 of 6706 chromosomes (freq: 0.000149), South Asian in 2 of 30524 chromosomes (freq: 0.000066) and East Asian in 1 of 19252 chromosomes (freq: 0.000052), but was not observed in the Latino, Ashkenazi Jewish, European (Finnish), or European (non-Finnish) populations. The p.Ile121 residue is conserved in mammals but not in more distantly related organisms however four out of five computational analyses (PolyPhen-2, SIFT, AlignGVGD, BLOSUM, MutationTaster) do not suggest a high likelihood of impact to the protein; this information is not predictive enough to rule out pathogenicity. The variant occurs outside of the splicing consensus sequence and in silico or computational prediction software programs (SpliceSiteFinder, MaxEntScan, NNSPLICE, GeneSplicer) do not predict a difference in splicing. In summary, based on the above information the clinical significance of this variant cannot be determined with certainty at this time. This variant is classified as a variant of uncertain significance.

Literature cited by the submitters: PubMed 32051609 (cited by Ambry Genetics).